The following is an entry in ClinVar:

ClinVar aggregate classification (germline): Benign/Likely benign. Review status: criteria provided, multiple submitters, no conflicts (2 of 4 stars). 9 submissions from 9 submitters: Benign (4); Likely benign (3). 2 of the submissions do not count toward it. Last evaluated 2026-01-28.

Conditions:
Bethlem myopathy 1A. Also called: Bethlem myopathy 1; Bethlem Muscular Dystrophy; MYOPATHY, BENIGN CONGENITAL, WITH CONTRACTURES. Identifiers: Orphanet 610, MedGen CN029274, MONDO:0024530, OMIM 158810.
Ullrich congenital muscular dystrophy 1A. Also called: Ullrich congenital muscular dystrophy 1; Intermediate COL6-RD. Identifiers: Orphanet 75840, MedGen C0410179, MONDO:0009681, OMIM 254090.
Collagen 6-related myopathy. Identifiers: MedGen CN117976, MONDO:0100225.

Allele frequency attached by ClinVar (database versions not stated): 1000 Genomes Project 0.01478; TOPMed 0.01826; ExAC 0.01173; 1000 Genomes Project 30x 0.01608; ESP Exome Variant Server 0.01891.
gnomAD v4.1: 4,873 of 1,574,524 alleles (0.31%); highest among the groups gnomAD compares: African/African-American, 5.7%; 148 homozygotes.

Submissions (9):

Labcorp Genetics (formerly Invitae), Labcorp
Classification: Benign for Bethlem myopathy 1A. Last evaluated: 2026-01-28. Review status: criteria provided, single submitter. Criteria: Invitae Variant Classification Sherloc (09022015). Collection method: clinical testing. Allele origin: germline.

Fulgent Genetics
Classification: Likely benign for Bethlem myopathy 1A; Ullrich congenital muscular dystrophy 1A. Last evaluated: 2021-08-02. Review status: criteria provided, single submitter. Criteria: ACMG Guidelines, 2015. Collection method: clinical testing. Allele origin: unknown.

Illumina Laboratory Services, Illumina
Classification: Benign for Collagen VI-related myopathy. Last evaluated: 2018-01-12. Review status: criteria provided, single submitter. Criteria: ICSL Variant Classification Criteria 13 December 2019. Collection method: clinical testing. Allele origin: germline.
Comment: This variant was observed in the ICSL laboratory as part of a predisposition screen in an ostensibly healthy population. It had not been previously curated by ICSL or reported in the Human Gene Mutation Database (HGMD: prior to June 1st, 2018), and was therefore a candidate for classification through an automated scoring system. Utilizing variant allele frequency, disease prevalence and penetrance estimates, and inheritance mode, an automated score was calculated to assess if this variant is too frequent to cause the disease. Based on the score and internal cut-off values, a variant classified as benign is not then subjected to further curation. The score for this variant resulted in a classification of benign for this disease.

GeneDx
Classification: Benign. Last evaluated: 2016-10-14. Review status: criteria provided, single submitter. Criteria: GeneDx Variant Classification (06012015). Collection method: clinical testing. Allele origin: germline. Affected: yes.
Comment: This variant is considered likely benign or benign based on one or more of the following criteria: it is a conservative change, it occurs at a poorly conserved position in the protein, it is predicted to be benign by multiple in silico algorithms, and/or has population frequency not consistent with disease.

Eurofins Ntd Llc (ga)
Classification: Benign. Last evaluated: 2012-08-27. Review status: criteria provided, single submitter. Criteria: EGL Classification Definitions 2015. Collection method: clinical testing. Allele origin: germline. Observed: 4 variant alleles, 4 heterozygotes.

Breakthrough Genomics
Classification: Likely benign. Review status: criteria provided, single submitter. Criteria: ACMG Guidelines, 2015. Collection method: not provided. Allele origin: germline. Inheritance: Autosomal recessive inheritance. Affected: yes.

PreventionGenetics, part of Exact Sciences
Classification: Likely benign. Review status: criteria provided, single submitter. Criteria: ACMG Guidelines, 2015. Collection method: clinical testing. Allele origin: germline.

Clinical Genetics, Academic Medical Center
Classification: Benign. Review status: no assertion criteria provided. Collection method: clinical testing. Allele origin: germline. Affected: yes. Study: VKGL Data-share Consensus. Not counted in ClinVar's aggregate classification.

Laboratory of Diagnostic Genome Analysis, Leiden University Medical Center (LUMC)
Classification: Likely benign. Review status: no assertion criteria provided. Collection method: clinical testing. Allele origin: germline. Affected: yes. Study: VKGL Data-share Consensus. Not counted in ClinVar's aggregate classification.

NM_001848.3(COL6A1):c.1120-12G>A

Gene: COL6A1 (collagen type VI alpha 1 chain; plus strand). Cytogenetic location: 21q22.3.
Variant type: single nucleotide variant.
Coding change: c.1120-12G>A on transcript NM_001848.3 (MANE Select); 12 bases into the intron before coding-DNA position 1120, G replaced by A.
Molecular consequence: intron variant.
Genome position (GRCh38, 1-based): chr21:45,991,998, G>A. VCF-style: chr21-45991998-G-A. GRCh37 (hg19) VCF-style: chr21-47411912-G-A.
Identifiers: ClinVar variation 93807 (VCV000093807.21), dbSNP rs115107397, ClinGen allele CA147314.